The following is an entry in ClinVar:

ClinVar aggregate classification (germline): Uncertain significance. Review status: criteria provided, multiple submitters, no conflicts (2 of 4 stars). 2 submissions from 2 submitters: Uncertain significance (2). Last evaluated 2025-06-19.

Conditions:
Inborn genetic diseases. Identifiers: MedGen C0950123, MeSH D030342.
D-2-hydroxyglutaric aciduria 2 (D2HGA2). Identifiers: Orphanet 79315, MedGen C3150909, MONDO:0013345, OMIM 613657.

gnomAD v4.1: 2 of 1,614,162 alleles (0.00012%); highest among the groups gnomAD compares: East Asian, 0.0022%; no homozygotes.

Submissions (2):

Ambry Genetics
Classification: Uncertain significance for Inborn genetic diseases. Last evaluated: 2025-06-19. Review status: criteria provided, single submitter. Criteria: Ambry Variant Classification Scheme 2023. Collection method: clinical testing. Allele origin: germline.

Labcorp Genetics (formerly Invitae), Labcorp
Classification: Uncertain significance for D-2-hydroxyglutaric aciduria 2. Last evaluated: 2024-09-05. Review status: criteria provided, single submitter. Criteria: Invitae Variant Classification Sherloc (09022015). Collection method: clinical testing. Allele origin: germline.
Comment: This sequence change replaces methionine, which is neutral and non-polar, with valine, which is neutral and non-polar, at codon 248 of the IDH2 protein (p.Met248Val). This variant is not present in population databases (gnomAD no frequency). This variant has not been reported in the literature in individuals affected with IDH2-related conditions. Invitae Evidence Modeling of protein sequence and biophysical properties (such as structural, functional, and spatial information, amino acid conservation, physicochemical variation, residue mobility, and thermodynamic stability) indicates that this missense variant is not expected to disrupt IDH2 protein function with a negative predictive value of 80%. In summary, the available evidence is currently insufficient to determine the role of this variant in disease. Therefore, it has been classified as a Variant of Uncertain Significance.

NM_002168.4(IDH2):c.742A>G (p.Met248Val)

Gene: IDH2 (isocitrate dehydrogenase (NADP(+)) 2; minus strand). Cytogenetic location: 15q26.1.
Variant type: single nucleotide variant.
Coding change: c.742A>G on transcript NM_002168.4 (MANE Select); coding-DNA position 742, A replaced by G.
Protein change: p.Met248Val; replaces methionine 248 with valine.
Molecular consequence: missense variant.
Genome position (GRCh38, 1-based): chr15:90,087,512, T>C on the plus strand (A>G on the coding strand, the complement: IDH2 is on the minus strand). VCF-style: chr15-90087512-T-C. GRCh37 (hg19) VCF-style: chr15-90630744-T-C.
Other names: c.742A>G (NM_002168.2); c.586A>G, p.Met196Val (NM_001289910.1); c.352A>G, p.Met118Val (NM_001290114.2); short protein forms M248V, M118V, M196V.
Identifiers: ClinVar variation 2777122 (VCV002777122.4), dbSNP rs781648958, ClinGen allele CA393801708.